The following is an entry in ClinVar:

ClinVar aggregate classification (germline): Uncertain significance (1 of 4 stars; one submission).

Conditions:
Oligodontia-cancer predisposition syndrome. Also called: TOOTH AGENESIS-COLORECTAL CANCER SYNDROME. Identifiers: Orphanet 300576, MedGen C1837750, MONDO:0012075, OMIM 608615. Disease mechanism: loss of function.

Submission:

Labcorp Genetics (formerly Invitae), Labcorp
Classification: Uncertain significance for Oligodontia-cancer predisposition syndrome. Last evaluated: 2024-06-04. Review status: criteria provided, single submitter. Criteria: Invitae Variant Classification Sherloc (09022015). Collection method: clinical testing. Allele origin: germline.
Comment: This sequence change replaces methionine, which is neutral and non-polar, with valine, which is neutral and non-polar, at codon 189 of the AXIN2 protein (p.Met189Val). This variant is not present in population databases (gnomAD no frequency). This variant has not been reported in the literature in individuals affected with AXIN2-related conditions. Advanced modeling of protein sequence and biophysical properties (such as structural, functional, and spatial information, amino acid conservation, physicochemical variation, residue mobility, and thermodynamic stability) performed at Invitae indicates that this missense variant is not expected to disrupt AXIN2 protein function with a negative predictive value of 80%. In summary, the available evidence is currently insufficient to determine the role of this variant in disease. Therefore, it has been classified as a Variant of Uncertain Significance.

NM_004655.4(AXIN2):c.565A>G (p.Met189Val)

Gene: AXIN2 (axin 2; minus strand). Cytogenetic location: 17q24.1.
Variant type: single nucleotide variant.
Coding change: c.565A>G on transcript NM_004655.4 (MANE Select); coding-DNA position 565, A replaced by G.
Protein change: p.Met189Val; replaces methionine 189 with valine.
Molecular consequence: missense variant.
Genome position (GRCh38, 1-based): chr17:65,558,056, T>C on the plus strand (A>G on the coding strand, the complement: AXIN2 is on the minus strand). VCF-style: chr17-65558056-T-C. GRCh37 (hg19) VCF-style: chr17-63554174-T-C.
Other names: c.565A>G, p.Met189Val (NM_001363813.1); short protein forms M189V.
Identifiers: ClinVar variation 3609114 (VCV003609114.2).